The following is an entry in ClinVar:

NM_198525.3(KIF7):c.195G>T (p.Ala65=)

Gene: KIF7 (kinesin family member 7; minus strand). Cytogenetic location: 15q26.1.
Variant type: single nucleotide variant.
Coding change: c.195G>T on transcript NM_198525.3 (MANE Select); coding-DNA position 195, G replaced by T.
Protein change: p.Ala65=; no amino-acid change (alanine 65 retained).
Molecular consequence: synonymous variant.
Genome position (GRCh38, 1-based): chr15:89,652,736, C>A on the plus strand (G>T on the coding strand, the complement: KIF7 is on the minus strand). VCF-style: chr15-89652736-C-A. GRCh37 (hg19) VCF-style: chr15-90195967-C-A.
Identifiers: ClinVar variation 709914 (VCV000709914.18), dbSNP rs8179066, ClinGen allele CA7728677.

ClinVar aggregate classification (germline): Likely benign. Review status: criteria provided, multiple submitters, no conflicts (2 of 4 stars). 4 submissions from 4 submitters: Likely benign (3). 1 of the submissions does not count toward it. Last evaluated 2025-12-20.

Conditions:
KIF7-related disorder. Also called: KIF7-related condition.
Acrocallosal syndrome (ACLS). Also called: Schinzel syndrome 1; Absence of corpus callosum with unusual facial appearance, mental deficiency, duplication of the halluces and polydactyly; HALLUX DUPLICATION, POSTAXIAL POLYDACTYLY, AND ABSENCE OF CORPUS CALLOSUM. Identifiers: Orphanet 36, MedGen C0796147, MONDO:0008708, OMIM 200990.

Allele frequency attached by ClinVar (database versions not stated): 1000 Genomes Project 30x 0.00016.

Submissions (4):

Labcorp Genetics (formerly Invitae), Labcorp
Classification: Likely benign for Acrocallosal syndrome. Last evaluated: 2025-12-20. Review status: criteria provided, single submitter. Criteria: Invitae Variant Classification Sherloc (09022015). Collection method: clinical testing. Allele origin: germline.

CeGaT Center for Human Genetics Tuebingen
Classification: Likely benign. Last evaluated: 2025-10-01. Review status: criteria provided, single submitter. Criteria: CeGaT Center For Human Genetics Tuebingen Variant Classification Criteria Version 2. Collection method: clinical testing. Allele origin: germline. Affected: yes. Observed: 1 variant allele.
Comment: KIF7: BP4, BP7

Blueprint Genetics
Classification: Likely benign. Last evaluated: 2024-02-05. Review status: criteria provided, single submitter. Criteria: ACMG Guidelines, 2015. Collection method: clinical testing. Allele origin: germline.

PreventionGenetics, part of Exact Sciences
Classification: Likely benign for KIF7-related condition. Last evaluated: 2024-01-29. Review status: no assertion criteria provided. Collection method: clinical testing. Allele origin: germline. Not counted in ClinVar's aggregate classification.
Comment: This variant is classified as likely benign based on ACMG/AMP sequence variant interpretation guidelines (Richards et al. 2015 PMID: 25741868, with internal and published modifications).